The following is an entry in ClinVar:

ClinVar aggregate classification (germline): Uncertain significance. Review status: reviewed by expert panel (3 of 4 stars). 2 submissions from 2 submitters: Uncertain significance (1). 1 of the submissions does not count toward it. Last evaluated 2023-08-21.

Conditions:
CDH1-related diffuse gastric and lobular breast cancer syndrome. Also called: CDH1-related diffuse gastric and lobular breast cancer. Identifiers: MedGen CN311521, MONDO:0100488.

Allele frequency attached by ClinVar (database versions not stated): TOPMed below 0.00001; gnomAD 0.00001.

Submissions (2):

Clingen Gastric Cancer Variant Curation Expert Panel
Classification: Uncertain significance for CDH1-related diffuse gastric and lobular breast cancer syndrome. Last evaluated: 2023-08-21. Review status: reviewed by expert panel. Criteria: ClinGen CDH1 ACMG Specifications V3.1. Collection method: curation. Allele origin: germline. Inheritance: Autosomal dominant inheritance.
Comment: The c.-45C>T variant does not meet any criteria codes. In summary, this variant meets criteria to be classified as a variant of uncertain significance based on ACMG/AMP criteria applied as specified by the CDH1 Variant Curation Expert Panel (Variant Interpretation Guidelines Version 3.1): None.

GeneDx
Classification: Uncertain significance. Last evaluated: 2016-06-23. Review status: criteria provided, single submitter. Criteria: GeneDx Variant Classification (06012015). Collection method: clinical testing. Allele origin: germline. Affected: yes. Not counted in ClinVar's aggregate classification.
Comment: This variant is denoted CDH1 c.-45C>T, and describes a nucleotide substitution 45 base pairs upstream of the ATG translational start site in the 5' untranslated region (UTR). This variant was not observed in approximately 3,339 individuals of European and African American ancestry in the NHLBI Exome Sequencing Project, suggesting it is not a common benign variant in these populations. CDH1 c.-45C>T is not predicted to affect the Kozak consensus sequence or to affect splicing. Although this variant has not, to our knowledge, been published in the literature, nearby variant c.-49G>T has been shown through Luciferase reporter assays to contribute to a slight increase in promoter activity, while c.-54G>C significantly decreases (p = 0.003) promoter activity (Nakamura 2002, Chen 2013). Therefore, based on the currently available information, we consider CDH1 c.-45C>T to be a variant of unknown significance.

NM_004360.5(CDH1):c.-45C>T

Genes: CDH1 (cadherin 1; plus strand), LOC130059290 (ATAC-STARR-seq lymphoblastoid silent region 7650; plus strand). Cytogenetic location: 16q22.1.
Variant type: single nucleotide variant.
Coding change: c.-45C>T on transcript NM_004360.5 (MANE Select); 45 bases upstream of the start codon, C replaced by T.
Molecular consequence: 5 prime UTR variant.
Genome position (GRCh38, 1-based): chr16:68,737,371, C>T. VCF-style: chr16-68737371-C-T. GRCh37 (hg19) VCF-style: chr16-68771274-C-T.
Other names: c.-45C>T (LRG_301t1, NM_001317184.2); c.-1660C>T (NM_001317185.2); c.-1864C>T (NM_001317186.2).
Identifiers: ClinVar variation 421431 (VCV000421431.3), dbSNP rs1064795133, ClinGen allele CA16620225.